The following is an entry in ClinVar:

ClinVar aggregate classification (germline): Uncertain significance. Review status: criteria provided, multiple submitters, no conflicts (2 of 4 stars). 3 submissions from 3 submitters: Uncertain significance (3). Last evaluated 2026-01-22.

Conditions:
Methylmalonic acidemia with homocystinuria, type cblJ (MAHCJ). Also called: METHYLMALONIC ACIDURIA AND HOMOCYSTINURIA, cblJ TYPE. Identifiers: Orphanet 369955, MedGen C3553915, MONDO:0013925, OMIM 614857.
Inborn genetic diseases. Identifiers: MedGen C0950123, MeSH D030342.

Allele frequency attached by ClinVar (database versions not stated): TOPMed 0.00008; gnomAD 0.00013 and 0.00014; gnomAD exomes 0.00024; ExAC 0.00035.
gnomAD v4.1: 346 of 1,613,932 alleles (0.021%); highest among the groups gnomAD compares: Non-Finnish European, 0.025%; no homozygotes.

Submissions (3):

Women's Health and Genetics/Laboratory Corporation of America, LabCorp
Classification: Uncertain significance. Last evaluated: 2026-01-22. Review status: criteria provided, single submitter. Criteria: LabCorp Variant Classification Summary - May 2015. Collection method: clinical testing. Allele origin: germline.

Ambry Genetics
Classification: Uncertain significance for Inborn genetic diseases. Last evaluated: 2022-03-22. Review status: criteria provided, single submitter. Criteria: Ambry Variant Classification Scheme 2023. Collection method: clinical testing. Allele origin: germline.
Comment: The c.719+6T>C intronic alteration consists of a T to C substitution nucleotides after coding exon 7 in the ABCD4 gene. Based on insufficient or conflicting evidence, the clinical significance of this alteration remains unclear.

Labcorp Genetics (formerly Invitae), Labcorp
Classification: Uncertain significance for Methylmalonic acidemia with homocystinuria, type cblJ. Last evaluated: 2021-09-30. Review status: criteria provided, single submitter. Criteria: Invitae Variant Classification Sherloc (09022015). Collection method: clinical testing. Allele origin: germline.
Comment: This sequence change falls in intron 7 of the ABCD4 gene. It does not directly change the encoded amino acid sequence of the ABCD4 protein, but it affects a nucleotide within the consensus splice site of the intron. This variant is present in population databases (rs755014125, ExAC 0.06%). This variant has not been reported in the literature in individuals affected with ABCD4-related conditions. Algorithms developed to predict the effect of sequence changes on RNA splicing suggest that this variant is not likely to affect RNA splicing. In summary, the available evidence is currently insufficient to determine the role of this variant in disease. Therefore, it has been classified as a Variant of Uncertain Significance.

NM_005050.4(ABCD4):c.719+6T>C

Gene: ABCD4 (ATP binding cassette subfamily D member 4; minus strand). Cytogenetic location: 14q24.3.
Variant type: single nucleotide variant.
Coding change: c.719+6T>C on transcript NM_005050.4 (MANE Select); 6 bases into the intron after coding-DNA position 719, T replaced by C.
Molecular consequence: intron variant.
Genome position (GRCh38, 1-based): chr14:74,295,142, A>G on the plus strand (T>C on the coding strand, the complement: ABCD4 is on the minus strand). VCF-style: chr14-74295142-A-G. GRCh37 (hg19) VCF-style: chr14-74761845-A-G.
Other names: c.25+6T>C (NM_001353607.2, NM_001353604.2, NM_001353603.2 and 6 more transcripts); c.242+6T>C (NM_001353598.2, NM_001353601.2, NM_001353600.2 and 2 more transcripts); c.407+712T>C (NM_001353594.2); c.458+6T>C (NM_001353593.2); c.254+712T>C (NM_001353597.2); c.305+6T>C (NM_001353596.2, NM_001353595.2); c.593+6T>C (NM_001353591.2, NM_001353592.2); c.719+6T>C (NM_020325.3, NM_005050.3).
Identifiers: ClinVar variation 1513617 (VCV001513617.7), dbSNP rs755014125, ClinGen allele CA7267103.